The following is an entry in ClinVar:

ClinVar aggregate classification (germline): Uncertain significance. Review status: criteria provided, multiple submitters, no conflicts (2 of 4 stars). 3 submissions from 3 submitters: Uncertain significance (2). 1 of the submissions does not count toward it. Last evaluated 2024-10-29.

Conditions:
Inborn genetic diseases. Identifiers: MedGen C0950123, MeSH D030342.
TMEM67-related disorder. Also called: TMEM67-related condition; TMEM67-related disorders. Identifiers: MedGen CN239423.
Meckel-Gruber syndrome. Also called: Dysencephalia splachnocystica; DYSENCEPHALIA SPLANCHNOCYSTICA; GRUBER SYNDROME. Identifiers: Orphanet 564, MedGen C0265215, MONDO:0018921.
Joubert syndrome. Also called: Familial aplasia of the vermis; JOUBERT-BOLTSHAUSER SYNDROME. Identifiers: Orphanet 475, MedGen C5979921, MONDO:0018772.

Allele frequency attached by ClinVar (database versions not stated): ExAC 0.00001; gnomAD 0.00001; TOPMed 0.00001; gnomAD exomes 0.00002.
gnomAD v4.1: 34 of 1,613,906 alleles (0.0021%); highest among the groups gnomAD compares: Non-Finnish European, 0.0029%; no homozygotes.

Submissions (3):

Ambry Genetics
Classification: Uncertain significance for Inborn genetic diseases. Last evaluated: 2024-10-29. Review status: criteria provided, single submitter. Criteria: Ambry Variant Classification Scheme 2023. Collection method: clinical testing. Allele origin: germline.

Labcorp Genetics (formerly Invitae), Labcorp
Classification: Uncertain significance for Joubert syndrome; Meckel-Gruber syndrome. Last evaluated: 2022-07-30. Review status: criteria provided, single submitter. Criteria: Invitae Variant Classification Sherloc (09022015). Collection method: clinical testing. Allele origin: germline.
Comment: This sequence change replaces glutamic acid, which is acidic and polar, with glycine, which is neutral and non-polar, at codon 679 of the TMEM67 protein (p.Glu679Gly). This variant is present in population databases (rs201447168, gnomAD 0.002%). This variant has not been reported in the literature in individuals affected with TMEM67-related conditions. Advanced modeling of protein sequence and biophysical properties (such as structural, functional, and spatial information, amino acid conservation, physicochemical variation, residue mobility, and thermodynamic stability) performed at Invitae indicates that this missense variant is expected to disrupt TMEM67 protein function. In summary, the available evidence is currently insufficient to determine the role of this variant in disease. Therefore, it has been classified as a Variant of Uncertain Significance.

PreventionGenetics, part of Exact Sciences
Classification: Uncertain significance for TMEM67-related condition. Last evaluated: 2024-08-21. Review status: no assertion criteria provided. Collection method: clinical testing. Allele origin: germline. Not counted in ClinVar's aggregate classification.
Comment: The TMEM67 c.2036A>G variant is predicted to result in the amino acid substitution p.Glu679Gly. To our knowledge, this variant has not been reported in the literature. This variant is reported in 0.0018% of alleles in individuals of European (Non-Finnish) descent in gnomAD. At this time, the clinical significance of this variant is uncertain due to the absence of conclusive functional and genetic evidence.

NM_153704.6(TMEM67):c.2036A>G (p.Glu679Gly)

Gene: TMEM67 (transmembrane protein 67; plus strand). Cytogenetic location: 8q22.1.
Variant type: single nucleotide variant.
Coding change: c.2036A>G on transcript NM_153704.6 (MANE Select); coding-DNA position 2036, A replaced by G.
Protein change: p.Glu679Gly; replaces glutamic acid 679 with glycine.
Molecular consequence: missense variant. On other transcripts: non-coding transcript variant (1).
Genome position (GRCh38, 1-based): chr8:93,797,406, A>G. VCF-style: chr8-93797406-A-G. GRCh37 (hg19) VCF-style: chr8-94809634-A-G.
Other names: c.1793A>G, p.Glu598Gly (NM_001142301.1); short protein forms E679G, E598G.
Identifiers: ClinVar variation 2049563 (VCV002049563.3), dbSNP rs201447168, ClinGen allele CA4808183.